The following is an entry in ClinVar:

NM_000214.3(JAG1):c.372C>G (p.Phe124Leu)

Gene: JAG1 (jagged canonical Notch ligand 1; minus strand). Cytogenetic location: 20p12.2.
Variant type: single nucleotide variant.
Coding change: c.372C>G on transcript NM_000214.3 (MANE Select); coding-DNA position 372, C replaced by G.
Protein change: p.Phe124Leu; replaces phenylalanine 124 with leucine.
Molecular consequence: missense variant.
Genome position (GRCh38, 1-based): chr20:10,672,716, G>C on the plus strand (C>G on the coding strand, the complement: JAG1 is on the minus strand). VCF-style: chr20-10672716-G-C. GRCh37 (hg19) VCF-style: chr20-10653364-G-C.
Other names: short protein forms F124L.
Identifiers: ClinVar variation 3573278 (VCV003573278.2).
Genomic context (GRCh38, chr20:10,672,716, plus strand): 5'-CGGGTGTGAGGCTCCGCCCGGCCTCCTTCCCGAGTAGTCACTCACCGGCCAGGCGAAACT[G>C]AAAGGCAGCACGATGCGGTTGCGGTCGTTGCCGCGGCTGGCCTTGAGGTTGAAGGTGTTG-3'
Protein context (NP_000205.1, residues 114-134): GNDRNRIVLP[Phe124Leu]SFAWPRSYTL

Conditions:
Arteriohepatic dysplasia. Also called: Alagille Syndrome. Identifiers: Orphanet 52, MedGen C0085280, MeSH D016738, MONDO:0007318.

Submission:

Gilbert/Spinner Lab, Children's Hospital of Philadelphia
No classification provided (evidence only). Condition: Alagille syndrome. Review status: no classification provided. Collection method: research. Allele origin: not applicable. Functional consequence: functionally_abnormal.
ClinVar note: "not provided" was previously submitted as the classification for the variant. However, the classification appeared to be based only on an observation of functional data so it was converted to no classification on 2025-07-30.